The following is an entry in ClinVar:

ClinVar aggregate classification (germline): Uncertain significance. Review status: criteria provided, multiple submitters, no conflicts (2 of 4 stars). 2 submissions from 2 submitters: Uncertain significance (2). Last evaluated 2021-08-24.

Conditions:
Familial thoracic aortic aneurysm and aortic dissection (TAAD). Also called: Thoracic aortic aneurysms and dissections. Identifiers: Orphanet 91387, MedGen C4707243, MONDO:0019625.
Ehlers-Danlos syndrome, kyphoscoliotic type 1 (EDSKSCL1). Also called: EHLERS-DANLOS SYNDROME, TYPE VIA; EHLERS-DANLOS SYNDROME, OCULAR-SCOLIOTIC TYPE; Ehlers-Danlos syndrome, hydroxylysine-deficient; PLOD1-Related Kyphoscoliotic Ehlers-Danlos Syndrome. Identifiers: Orphanet 1900, MedGen C0268342, MONDO:0016002, OMIM 225400. Disease mechanism: loss of function.

Allele frequency attached by ClinVar (database versions not stated): gnomAD 0.00001; TOPMed 0.00002; ExAC 0.00005; gnomAD exomes 0.00006; 1000 Genomes Project 30x 0.00016; 1000 Genomes Project 0.00020.
gnomAD v4.1: 22 of 1,614,104 alleles (0.0014%); highest among the groups gnomAD compares: Admixed American, 0.025%; no homozygotes.

Submissions (2):

Labcorp Genetics (formerly Invitae), Labcorp
Classification: Uncertain significance for Ehlers-Danlos syndrome, kyphoscoliotic type 1. Last evaluated: 2021-08-24. Review status: criteria provided, single submitter. Criteria: Invitae Variant Classification Sherloc (09022015). Collection method: clinical testing. Allele origin: germline.
Comment: This sequence change replaces asparagine with serine at codon 255 of the PLOD1 protein (p.Asn255Ser). The asparagine residue is highly conserved and there is a small physicochemical difference between asparagine and serine. This variant is present in population databases (rs538763801, ExAC 0.03%). This variant has not been reported in the literature in individuals affected with PLOD1-related conditions. Algorithms developed to predict the effect of missense changes on protein structure and function (SIFT, PolyPhen-2, Align-GVGD) all suggest that this variant is likely to be disruptive. Algorithms developed to predict the effect of sequence changes on RNA splicing suggest that this variant may create or strengthen a splice site. In summary, the available evidence is currently insufficient to determine the role of this variant in disease. Therefore, it has been classified as a Variant of Uncertain Significance.

Ambry Genetics
Classification: Uncertain significance for Familial thoracic aortic aneurysm and aortic dissection. Last evaluated: 2021-07-15. Review status: criteria provided, single submitter. Criteria: Ambry Variant Classification Scheme 2023. Collection method: clinical testing. Allele origin: germline.
Comment: The p.N255S variant (also known as c.764A>G), located in coding exon 8 of the PLOD1 gene, results from an A to G substitution at nucleotide position 764. The asparagine at codon 255 is replaced by serine, an amino acid with highly similar properties. This amino acid position is conserved. In addition, the in silico prediction for this alteration is inconclusive. Since supporting evidence is limited at this time, the clinical significance of this alteration remains unclear.

NM_000302.4(PLOD1):c.764A>G (p.Asn255Ser)

Gene: PLOD1 (procollagen-lysine,2-oxoglutarate 5-dioxygenase 1; plus strand). Cytogenetic location: 1p36.22.
Variant type: single nucleotide variant.
Coding change: c.764A>G on transcript NM_000302.4 (MANE Select); coding-DNA position 764, A replaced by G.
Protein change: p.Asn255Ser; replaces asparagine 255 with serine.
Molecular consequence: missense variant.
Genome position (GRCh38, 1-based): chr1:11,957,864, A>G. VCF-style: chr1-11957864-A-G. GRCh37 (hg19) VCF-style: chr1-12017921-A-G.
Other names: c.905A>G, p.Asn302Ser (NM_001316320.2); short protein forms N255S, N302S.
Identifiers: ClinVar variation 1054377 (VCV001054377.8), dbSNP rs538763801, ClinGen allele CA598131.
Genomic context (GRCh38, chr1:11,957,864, plus strand): 5'-CTGGCTGGCTTCTCTGTGACCCCACGTCTCCCCGACAGCTGCAGTTGAACTACCTGGGCA[A>G]CTACATCCCGCGCTTCTGGACCTTCGAAACAGGCTGCACCGTGTGTGACGAAGGCTTGCG-3'
Protein context (NP_000293.2, residues 245-265): PTKLQLNYLG[Asn255Ser]YIPRFWTFET